The following is an entry in ClinVar:

NM_005141.5(FGB):c.555G>T (p.Glu185Asp)

Gene: FGB (fibrinogen beta chain; plus strand). Cytogenetic location: 4q31.3.
Variant type: single nucleotide variant.
Coding change: c.555G>T on transcript NM_005141.5 (MANE Select); coding-DNA position 555, G replaced by T.
Protein change: p.Glu185Asp; replaces glutamic acid 185 with aspartic acid.
Molecular consequence: missense variant.
Genome position (GRCh38, 1-based): chr4:154,567,657, G>T. VCF-style: chr4-154567657-G-T. GRCh37 (hg19) VCF-style: chr4-155488809-G-T.
Other names: c.378G>T, p.Glu126Asp (NM_001184741.1); c.423G>T, p.Glu141Asp (NM_001382759.1); c.555G>T, p.Glu185Asp (NM_001382760.1, NM_001382761.1, NM_001382762.1 and 3 more transcripts); short protein forms E141D, E126D, E185D.
Identifiers: ClinVar variation 3709315 (VCV003709315.2).

ClinVar aggregate classification (germline): Uncertain significance (1 of 4 stars; one submission).

Submission:

Labcorp Genetics (formerly Invitae), Labcorp
Classification: Uncertain significance. Last evaluated: 2024-05-10. Review status: criteria provided, single submitter. Criteria: Invitae Variant Classification Sherloc (09022015). Collection method: clinical testing. Allele origin: germline.
Comment: This sequence change replaces glutamic acid, which is acidic and polar, with aspartic acid, which is acidic and polar, at codon 185 of the FGB protein (p.Glu185Asp). This variant is not present in population databases (gnomAD no frequency). This variant has not been reported in the literature in individuals affected with FGB-related conditions. Advanced modeling of protein sequence and biophysical properties (such as structural, functional, and spatial information, amino acid conservation, physicochemical variation, residue mobility, and thermodynamic stability) performed at Invitae indicates that this missense variant is not expected to disrupt FGB protein function with a negative predictive value of 80%. In summary, the available evidence is currently insufficient to determine the role of this variant in disease. Therefore, it has been classified as a Variant of Uncertain Significance.